The following is an entry in ClinVar:

NM_001267550.2(TTN):c.104804C>T (p.Pro34935Leu)

Genes: TTN-AS1 (TTN antisense RNA 1; plus strand), TTN (titin; minus strand). Cytogenetic location: 2q31.2.
Variant type: single nucleotide variant.
Coding change: c.104804C>T on transcript NM_001267550.2 (MANE Select); coding-DNA position 104804, C replaced by T.
Protein change: p.Pro34935Leu; replaces proline 34935 with leucine.
Molecular consequence: missense variant.
Genome position (GRCh38, 1-based): chr2:178,531,811, G>A on the plus strand (C>T on the coding strand, the complement: TTN is on the minus strand). VCF-style: chr2-178531811-G-A. GRCh37 (hg19) VCF-style: chr2-179396538-G-A.
Other names: c.99881C>T, p.Pro33294Leu (NM_001256850.1); c.77609C>T, p.Pro25870Leu (NM_003319.4); c.97100C>T, p.Pro32367Leu (NM_133378.4); c.77984C>T, p.Pro25995Leu (NM_133432.3); c.78185C>T, p.Pro26062Leu (NM_133437.4); short protein forms P25995L, P32367L, P25870L, P26062L, P33294L, P34935L.
Identifiers: ClinVar variation 2087163 (VCV002087163.3), dbSNP rs2468423914, ClinGen allele CA349410882.

ClinVar aggregate classification (germline): Uncertain significance (1 of 4 stars; one submission).

Conditions:
Autosomal recessive limb-girdle muscular dystrophy type 2J (LGMDR10). Also called: Limb-girdle muscular dystrophy, type 2J; MUSCULAR DYSTROPHY, LIMB-GIRDLE, AUTOSOMAL RECESSIVE 10. Identifiers: Orphanet 140922, MedGen C1837342, MONDO:0012127, OMIM 608807.
Dilated cardiomyopathy 1G (CMD1G). Identifiers: Orphanet 154, MedGen C1858763, MONDO:0011400, OMIM 604145.

Submission:

Labcorp Genetics (formerly Invitae), Labcorp
Classification: Uncertain significance for Dilated cardiomyopathy 1G; Autosomal recessive limb-girdle muscular dystrophy type 2J. Last evaluated: 2022-01-26. Review status: criteria provided, single submitter. Criteria: Invitae Variant Classification Sherloc (09022015). Collection method: clinical testing. Allele origin: germline.
Comment: This sequence change replaces proline, which is neutral and non-polar, with leucine, which is neutral and non-polar, at codon 34935 of the TTN protein (p.Pro34935Leu). This variant is not present in population databases (gnomAD no frequency). This variant has not been reported in the literature in individuals affected with TTN-related conditions. Experimental studies and prediction algorithms are not available or were not evaluated, and the functional significance of this variant is currently unknown. In summary, the available evidence is currently insufficient to determine the role of this variant in disease. Therefore, it has been classified as a Variant of Uncertain Significance. This variant is located in the M band of TTN (PMID: 25589632). Variants in this region may be relevant for neuromuscular disorders, but have not been definitively shown to cause cardiomyopathy (PMID: 23975875).

Literature cited by the submitters: PubMed 25589632; PubMed 23975875.